The following is an entry in ClinVar:

NM_001374259.2(IL12RB2):c.346G>A (p.Ala116Thr)

Gene: IL12RB2 (interleukin 12 receptor subunit beta 2; plus strand). Cytogenetic location: 1p31.3.
Variant type: single nucleotide variant.
Coding change: c.346G>A on transcript NM_001374259.2 (MANE Select); coding-DNA position 346, G replaced by A.
Protein change: p.Ala116Thr; replaces alanine 116 with threonine.
Molecular consequence: missense variant. On other transcripts: non-coding transcript variant (2).
Genome position (GRCh38, 1-based): chr1:67,321,871, G>A. VCF-style: chr1-67321871-G-A. GRCh37 (hg19) VCF-style: chr1-67787554-G-A.
Other names: c.346G>A, p.Ala116Thr (NM_001258216.1, NM_001319233.1, NM_001559.3 and 2 more transcripts); short protein forms A116T.
Identifiers: ClinVar variation 2084860 (VCV002084860.4), dbSNP rs917629107, ClinGen allele CA23495767.
Genomic context (GRCh38, chr1:67,321,871, plus strand): 5'-ACAACCTTGTTTGTCTGCAAACTGGCCTGTATCAATAGTGATGAAATTCAAATATGTGGA[G>A]CAGAGATCTTCGTTGGTGGTGAGCATTCCATTTTGAATTTTTAAAACTTGGTGATCTTTT-3'
Protein context (NP_001361188.1, residues 106-126): INSDEIQICG[Ala116Thr]EIFVGVAPEQ

ClinVar aggregate classification (germline): Uncertain significance (1 of 4 stars; one submission).

Allele frequency attached by ClinVar (database versions not stated): gnomAD 0.00001; TOPMed 0.00001.
gnomAD v4.1: 1 of 1,613,752 alleles (0.000062%); highest among the groups gnomAD compares: African/African-American, 0.0013%; no homozygotes.

Submission:

Labcorp Genetics (formerly Invitae), Labcorp
Classification: Uncertain significance. Last evaluated: 2023-10-13. Review status: criteria provided, single submitter. Criteria: Invitae Variant Classification Sherloc (09022015). Collection method: clinical testing. Allele origin: germline.
Comment: This sequence change replaces alanine, which is neutral and non-polar, with threonine, which is neutral and polar, at codon 116 of the IL12RB2 protein (p.Ala116Thr). This variant is not present in population databases (gnomAD no frequency). This variant has not been reported in the literature in individuals affected with IL12RB2-related conditions. ClinVar contains an entry for this variant (Variation ID: 2084860). Algorithms developed to predict the effect of missense changes on protein structure and function output the following: SIFT: "Not Available"; PolyPhen-2: "Benign"; Align-GVGD: "Not Available". The threonine amino acid residue is found in multiple mammalian species, which suggests that this missense change does not adversely affect protein function. In summary, the available evidence is currently insufficient to determine the role of this variant in disease. Therefore, it has been classified as a Variant of Uncertain Significance.